The following is an entry in ClinVar:

ClinVar aggregate classification (germline): Uncertain significance (1 of 4 stars; one submission).

Allele frequency attached by ClinVar (database versions not stated): gnomAD exomes below 0.00001; ExAC 0.00001.
gnomAD v4.1: 1 of 1,602,902 alleles (0.000062%); highest among the groups gnomAD compares: Non-Finnish European, 0.000085%; no homozygotes.

Submission:

Labcorp Genetics (formerly Invitae), Labcorp
Classification: Uncertain significance. Last evaluated: 2021-12-31. Review status: criteria provided, single submitter. Criteria: Invitae Variant Classification Sherloc (09022015). Collection method: clinical testing. Allele origin: germline.
Comment: This variant is not present in population databases (gnomAD no frequency). In summary, the available evidence is currently insufficient to determine the role of this variant in disease. Therefore, it has been classified as a Variant of Uncertain Significance. Algorithms developed to predict the effect of missense changes on protein structure and function (SIFT, PolyPhen-2, Align-GVGD) all suggest that this variant is likely to be tolerated. This variant has not been reported in the literature in individuals affected with DSG1-related conditions. This sequence change replaces glycine, which is neutral and non-polar, with aspartic acid, which is acidic and polar, at codon 1002 of the DSG1 protein (p.Gly1002Asp).

NM_001942.4(DSG1):c.3005G>A (p.Gly1002Asp)

Genes: DSG1 (desmoglein 1; plus strand), DSG1-AS1 (DSG1 antisense RNA 1; minus strand). Cytogenetic location: 18q12.1.
Variant type: single nucleotide variant.
Coding change: c.3005G>A on transcript NM_001942.4 (MANE Select); coding-DNA position 3005, G replaced by A.
Protein change: p.Gly1002Asp; replaces glycine 1002 with aspartic acid.
Molecular consequence: missense variant.
Genome position (GRCh38, 1-based): chr18:31,355,201, G>A. VCF-style: chr18-31355201-G-A. GRCh37 (hg19) VCF-style: chr18-28935164-G-A.
Other names: short protein forms G1002D.
Identifiers: ClinVar variation 2067545 (VCV002067545.4), dbSNP rs754178122, ClinGen allele CA8926499.